The following is an entry in ClinVar:

NM_024529.5(CDC73):c.1084A>G (p.Ile362Val)

Gene: CDC73 (cell division cycle 73; plus strand). Cytogenetic location: 1q31.2.
Variant type: single nucleotide variant.
Coding change: c.1084A>G on transcript NM_024529.5 (MANE Select); coding-DNA position 1084, A replaced by G.
Protein change: p.Ile362Val; replaces isoleucine 362 with valine.
Molecular consequence: missense variant.
Genome position (GRCh38, 1-based): chr1:193,212,407, A>G. VCF-style: chr1-193212407-A-G. GRCh37 (hg19) VCF-style: chr1-193181537-A-G.
Other names: short protein forms I362V.
Identifiers: ClinVar variation 4223491 (VCV004223491.1).

ClinVar aggregate classification (germline): Uncertain significance (1 of 4 stars; one submission).

Conditions:
Hereditary cancer-predisposing syndrome. Also called: Hereditary Cancer Syndrome; Hereditary neoplastic syndrome; Neoplastic Syndromes, Hereditary; Tumor predisposition. Identifiers: Orphanet 140162, MedGen C0027672, MeSH D009386, MONDO:0015356.

gnomAD v4.1: 1 of 1,604,762 alleles (0.000062%); highest among the groups gnomAD compares: Non-Finnish European, 0.000085%; no homozygotes.

Submission:

Ambry Genetics
Classification: Uncertain significance for Hereditary cancer-predisposing syndrome. Last evaluated: 2025-09-04. Review status: criteria provided, single submitter. Criteria: Ambry Variant Classification Scheme 2023. Collection method: clinical testing. Allele origin: germline.
Comment: The p.I362V variant (also known as c.1084A>G), located in coding exon 13 of the CDC73 gene, results from an A to G substitution at nucleotide position 1084. The isoleucine at codon 362 is replaced by valine, an amino acid with highly similar properties. This amino acid position is conserved. In addition, this alteration is predicted to be tolerated by in silico analysis. Based on the available evidence, the clinical significance of this variant remains unclear.